The following is an entry in ClinVar:

NM_014285.7(EXOSC2):c.561T>C (p.His187=)

Gene: EXOSC2 (exosome component 2; plus strand). Cytogenetic location: 9q34.12.
Variant type: single nucleotide variant.
Coding change: c.561T>C on transcript NM_014285.7 (MANE Select); coding-DNA position 561, T replaced by C.
Protein change: p.His187=; no amino-acid change (histidine 187 retained).
Molecular consequence: synonymous variant. On other transcripts: non-coding transcript variant (1).
Genome position (GRCh38, 1-based): chr9:130,702,199, T>C. VCF-style: chr9-130702199-T-C. GRCh37 (hg19) VCF-style: chr9-133577586-T-C.
Other names: c.483T>C, p.His161= (NM_001282708.1); c.471T>C, p.His157= (NM_001282709.1).
Identifiers: ClinVar variation 3898556 (VCV003898556.7).

ClinVar aggregate classification (germline): Likely benign (1 of 4 stars; one submission).

Submission:

CeGaT Center for Human Genetics Tuebingen
Classification: Likely benign. Last evaluated: 2025-04-01. Review status: criteria provided, single submitter. Criteria: CeGaT Center For Human Genetics Tuebingen Variant Classification Criteria Version 2. Collection method: clinical testing. Allele origin: germline. Affected: yes. Observed: 1 variant allele.
Comment: EXOSC2: PM2:Supporting, BP4, BP7